The following is an entry in ClinVar:

NM_005618.4(DLL1):c.2075C>T (p.Pro692Leu)

Genes: DLL1 (delta like canonical Notch ligand 1; minus strand), LOC126859913 (P300/CBP strongly-dependent group 1 enhancer GRCh37_chr6:170591232-170592431; plus strand). Cytogenetic location: 6q27.
Variant type: single nucleotide variant.
Coding change: c.2075C>T on transcript NM_005618.4 (MANE Select); coding-DNA position 2075, C replaced by T.
Protein change: p.Pro692Leu; replaces proline 692 with leucine.
Molecular consequence: missense variant.
Genome position (GRCh38, 1-based): chr6:170,283,079, G>A on the plus strand (C>T on the coding strand, the complement: DLL1 is on the minus strand). VCF-style: chr6-170283079-G-A. GRCh37 (hg19) VCF-style: chr6-170592167-G-A.
Other names: short protein forms P692L.
Identifiers: ClinVar variation 1679618 (VCV001679618.28), dbSNP rs773530345, ClinGen allele CA4106621.

ClinVar aggregate classification (germline): Conflicting classifications of pathogenicity. Review status: criteria provided, conflicting classifications (1 of 4 stars). 4 submissions from 4 submitters: Uncertain significance (2); Likely benign (2). Last evaluated 2026-04-10.

Conditions:
Neurodevelopmental disorder with nonspecific brain abnormalities and with or without seizures. Identifiers: MedGen C5231470, MONDO:0032877, OMIM 618709.

Allele frequency attached by ClinVar (database versions not stated): ExAC 0.00001; gnomAD exomes 0.00002; gnomAD 0.00004 and 0.00005; TOPMed 0.00005.

Submissions (4):

Centre for Medical Genetics,  Mumbai
Classification: Likely benign for Neurodevelopmental disorder with nonspecific brain abnormalities and with or without seizures. Last evaluated: 2026-04-10. Review status: criteria provided, single submitter. Criteria: ACMG Guidelines, 2015. Collection method: provider interpretation. Allele origin: germline. Inheritance: Autosomal dominant inheritance. Affected: no. Observed: 1 variant allele, 1 heterozygote.
Comment: The variant satisfies PM2 criteria - extremely low frequency in gnomAD population databases. However, the variant satisfies BS2 criteria - present in heterozygous state in an individual that clinically does not have neurodevelopmental disorder with nonspecific brain abnormalities and with or without seizures.

Labcorp Genetics (formerly Invitae), Labcorp
Classification: Uncertain significance. Last evaluated: 2024-12-13. Review status: criteria provided, single submitter. Criteria: Invitae Variant Classification Sherloc (09022015). Collection method: clinical testing. Allele origin: germline.
Comment: This sequence change replaces proline, which is neutral and non-polar, with leucine, which is neutral and non-polar, at codon 692 of the DLL1 protein (p.Pro692Leu). This variant is present in population databases (rs773530345, gnomAD 0.004%). This variant has not been reported in the literature in individuals affected with DLL1-related conditions. ClinVar contains an entry for this variant (Variation ID: 1679618). An algorithm developed to predict the effect of missense changes on protein structure and function (PolyPhen-2) suggests that this variant is likely to be tolerated. In summary, the available evidence is currently insufficient to determine the role of this variant in disease. Therefore, it has been classified as a Variant of Uncertain Significance.

CeGaT Center for Human Genetics Tuebingen
Classification: Likely benign. Last evaluated: 2022-08-01. Review status: criteria provided, single submitter. Criteria: CeGaT Center For Human Genetics Tuebingen Variant Classification Criteria Version 2. Collection method: clinical testing. Allele origin: germline. Affected: yes. Observed: 1 variant allele.
Comment: DLL1: BP1, BP4

New York Genome Center
Classification: Uncertain significance for Neurodevelopmental disorder with nonspecific brain abnormalities and with or without seizures. Last evaluated: 2021-06-04. Review status: criteria provided, single submitter. Criteria: NYGC Assertion Criteria 2020. Collection method: clinical testing. Allele origin: inherited. Observed: 1 heterozygote. Study: CSER-NYCKidSeq.

Literature cited by the submitters: PubMed 31353024 (cited by Centre for Medical Genetics,  Mumbai).